The following is an entry in ClinVar:

ClinVar aggregate classification (germline): Uncertain significance (1 of 4 stars; one submission).

Conditions:
Inborn genetic diseases. Identifiers: MedGen C0950123, MeSH D030342.

gnomAD v4.1: 1 of 1,614,102 alleles (0.000062%); highest among the groups gnomAD compares: Non-Finnish European, 0.000085%; no homozygotes.

Submission:

Ambry Genetics
Classification: Uncertain significance for Inborn genetic diseases. Last evaluated: 2025-06-10. Review status: criteria provided, single submitter. Criteria: Ambry Variant Classification Scheme 2023. Collection method: clinical testing. Allele origin: germline.
Comment: The p.P765L variant (also known as c.2294C>T), located in coding exon 8 of the MECOM gene, results from a C to T substitution at nucleotide position 2294. The proline at codon 765 is replaced by leucine, an amino acid with similar properties. This amino acid position is conserved. In addition, this alteration is predicted to be tolerated by in silico analysis. Based on the available evidence, the clinical significance of this variant remains unclear.

NM_004991.4(MECOM):c.2294C>T (p.Pro765Leu)

Gene: MECOM (MDS1 and EVI1 complex locus; minus strand). Cytogenetic location: 3q26.2.
Variant type: single nucleotide variant.
Coding change: c.2294C>T on transcript NM_004991.4 (MANE Select); coding-DNA position 2294, C replaced by T.
Protein change: p.Pro765Leu; replaces proline 765 with leucine.
Molecular consequence: missense variant.
Genome position (GRCh38, 1-based): chr3:169,115,578, G>A on the plus strand (C>T on the coding strand, the complement: MECOM is on the minus strand). VCF-style: chr3-169115578-G-A. GRCh37 (hg19) VCF-style: chr3-168833366-G-A.
Other names: c.1925C>T, p.Pro642Leu (NM_001105077.4); c.1730C>T, p.Pro577Leu (NM_001105078.4, NM_001164000.2, NM_001205194.2 and 4 more transcripts); c.1733C>T, p.Pro578Leu (NM_001163999.2, NM_001366467.2, NM_001366468.2 and 1 more transcripts); c.2294C>T, p.Pro765Leu (NM_001366466.2); c.1322C>T, p.Pro441Leu (NM_001366473.2); c.758C>T, p.Pro253Leu (NM_001366474.2); short protein forms P253L, P577L, P578L, P642L, P765L, P441L.
Identifiers: ClinVar variation 4053338 (VCV004053338.1).